The following is an entry in ClinVar:

NM_006767.4(LZTR1):c.788A>G (p.Lys263Arg)

Gene: LZTR1 (leucine zipper like post translational regulator 1; plus strand). Cytogenetic location: 22q11.21.
Variant type: single nucleotide variant.
Coding change: c.788A>G on transcript NM_006767.4 (MANE Select); coding-DNA position 788, A replaced by G.
Protein change: p.Lys263Arg; replaces lysine 263 with arginine.
Molecular consequence: missense variant.
Genome position (GRCh38, 1-based): chr22:20,990,522, A>G. VCF-style: chr22-20990522-A-G. GRCh37 (hg19) VCF-style: chr22-21344811-A-G.
Other names: short protein forms K263R.
Identifiers: ClinVar variation 424613 (VCV000424613.13), dbSNP rs144573377, ClinGen allele CA10118612.

ClinVar aggregate classification (germline): Uncertain significance. Review status: criteria provided, multiple submitters, no conflicts (2 of 4 stars). 5 submissions from 5 submitters: Uncertain significance (5). Last evaluated 2025-12-13.

Conditions:
Hereditary cancer-predisposing syndrome. Also called: Hereditary neoplastic syndrome; Neoplastic Syndromes, Hereditary; Tumor predisposition; Hereditary Cancer Syndrome. Identifiers: Orphanet 140162, MedGen C0027672, MeSH D009386, MONDO:0015356.
Cardiovascular phenotype. Identifiers: MedGen CN230736.
LZTR1-related schwannomatosis. Also called: Schwannomatosis 2; Schwannomatosis-2, susceptibility to. Identifiers: Orphanet 93921, MedGen C3810283, MONDO:0014299, OMIM 615670.

Allele frequency attached by ClinVar (database versions not stated): ExAC 0.00003; gnomAD 0.00003; TOPMed 0.00003; ESP Exome Variant Server 0.00008.
gnomAD v4.1: 15 of 1,609,912 alleles (0.00093%); highest among the groups gnomAD compares: Non-Finnish European, 0.0013%; no homozygotes.

Submissions (5):

Labcorp Genetics (formerly Invitae), Labcorp
Classification: Uncertain significance. Last evaluated: 2025-12-13. Review status: criteria provided, single submitter. Criteria: Invitae Variant Classification Sherloc (09022015). Collection method: clinical testing. Allele origin: germline.
Comment: This sequence change replaces lysine, which is basic and polar, with arginine, which is basic and polar, at codon 263 of the LZTR1 protein (p.Lys263Arg). This variant is present in population databases (rs144573377, gnomAD 0.003%). This variant has not been reported in the literature in individuals affected with LZTR1-related conditions. ClinVar contains an entry for this variant (Variation ID: 424613). Invitae Evidence Modeling of protein sequence and biophysical properties (such as structural, functional, and spatial information, amino acid conservation, physicochemical variation, residue mobility, and thermodynamic stability) indicates that this missense variant is not expected to disrupt LZTR1 protein function with a negative predictive value of 80%. In summary, the available evidence is currently insufficient to determine the role of this variant in disease. Therefore, it has been classified as a Variant of Uncertain Significance.

Ambry Genetics
Classification: Uncertain significance for Cardiovascular phenotype; Hereditary cancer-predisposing syndrome. Last evaluated: 2024-10-11. Review status: criteria provided, single submitter. Criteria: Ambry Variant Classification Scheme 2023. Collection method: clinical testing. Allele origin: germline.
Comment: The p.K263R variant (also known as c.788A>G), located in coding exon 8 of the LZTR1 gene, results from an A to G substitution at nucleotide position 788. The lysine at codon 263 is replaced by arginine, an amino acid with highly similar properties. This amino acid position is not well conserved in available vertebrate species. In addition, this alteration is predicted to be tolerated by in silico analysis. Since supporting evidence is limited at this time, the clinical significance of this alteration remains unclear.

Women's Health and Genetics/Laboratory Corporation of America, LabCorp
Classification: Uncertain significance. Last evaluated: 2024-04-15. Review status: criteria provided, single submitter. Criteria: LabCorp Variant Classification Summary - May 2015. Collection method: clinical testing. Allele origin: germline.
Comment: Variant summary: LZTR1 c.788A>G (p.Lys263Arg) results in a conservative amino acid change in the encoded protein sequence. Four of five in-silico tools predict a benign effect of the variant on protein function. The variant allele was found at a frequency of 1.2e-05 in 246938 control chromosomes (gnomAD). The available data on variant occurrences in the general population are insufficient to allow any conclusion about variant significance. To our knowledge, no occurrence of c.788A>G in individuals affected with Noonan Syndrome and no experimental evidence demonstrating its impact on protein function have been reported. ClinVar contains an entry for this variant (Variation ID: 424613). Based on the evidence outlined above, the variant was classified as uncertain significance.

GeneDx
Classification: Uncertain significance. Last evaluated: 2023-11-16. Review status: criteria provided, single submitter. Criteria: GeneDx Variant Classification Process June 2021. Collection method: clinical testing. Allele origin: germline. Affected: yes.
Comment: Not observed at significant frequency in large population cohorts (gnomAD); In silico analysis supports that this missense variant does not alter protein structure/function; Has not been previously published as pathogenic or benign to our knowledge

Baylor Genetics
Classification: Uncertain significance for LZTR1-related schwannomatosis. Last evaluated: 2023-06-27. Review status: criteria provided, single submitter. Criteria: ACMG Guidelines, 2015. Collection method: clinical testing. Allele origin: unknown.